The following is an entry in ClinVar:

NM_000287.4(PEX6):c.208G>A (p.Gly70Arg)

Gene: PEX6 (peroxisomal biogenesis factor 6; minus strand). Cytogenetic location: 6p21.1.
Variant type: single nucleotide variant.
Coding change: c.208G>A on transcript NM_000287.4 (MANE Select); coding-DNA position 208, G replaced by A.
Protein change: p.Gly70Arg; replaces glycine 70 with arginine.
Molecular consequence: missense variant. On other transcripts: non-coding transcript variant (1).
Genome position (GRCh38, 1-based): chr6:42,978,943, C>T on the plus strand (G>A on the coding strand, the complement: PEX6 is on the minus strand). VCF-style: chr6-42978943-C-T. GRCh37 (hg19) VCF-style: chr6-42946681-C-T.
Other names: c.208G>A, p.Gly70Arg (NM_001316313.2); short protein forms G70R.
Identifiers: ClinVar variation 1503861 (VCV001503861.3), dbSNP rs2150240598, ClinGen allele CA364168155.

ClinVar aggregate classification (germline): Uncertain significance (1 of 4 stars; one submission).

Conditions:
Peroxisome biogenesis disorder. Identifiers: Orphanet 79189, MedGen C1832200, MONDO:0019234. Disease mechanism: loss of function.

gnomAD v4.1: 2 of 1,495,204 alleles (0.00013%); highest among the groups gnomAD compares: Admixed American, 0.0044%; no homozygotes.

Submission:

Labcorp Genetics (formerly Invitae), Labcorp
Classification: Uncertain significance for Peroxisome biogenesis disorder. Last evaluated: 2022-07-01. Review status: criteria provided, single submitter. Criteria: Invitae Variant Classification Sherloc (09022015). Collection method: clinical testing. Allele origin: germline.
Comment: This sequence change replaces glycine, which is neutral and non-polar, with arginine, which is basic and polar, at codon 70 of the PEX6 protein (p.Gly70Arg). This variant is not present in population databases (gnomAD no frequency). This variant has not been reported in the literature in individuals affected with PEX6-related conditions. ClinVar contains an entry for this variant (Variation ID: 1503861). Algorithms developed to predict the effect of missense changes on protein structure and function are either unavailable or do not agree on the potential impact of this missense change (SIFT: "Tolerated"; PolyPhen-2: "Probably Damaging"; Align-GVGD: "Class C0"). In summary, the available evidence is currently insufficient to determine the role of this variant in disease. Therefore, it has been classified as a Variant of Uncertain Significance.